The following is an entry in ClinVar:

NM_001375567.1(FOCAD):c.383A>G (p.Tyr128Cys)

Gene: FOCAD (focadhesin; plus strand). Cytogenetic location: 9p21.3.
Variant type: single nucleotide variant.
Coding change: c.383A>G on transcript NM_001375567.1 (MANE Select); coding-DNA position 383, A replaced by G.
Protein change: p.Tyr128Cys; replaces tyrosine 128 with cysteine.
Molecular consequence: missense variant. On other transcripts: intron variant (1).
Genome position (GRCh38, 1-based): chr9:20,740,331, A>G. VCF-style: chr9-20740331-A-G. GRCh37 (hg19) VCF-style: chr9-20740330-A-G.
Other names: c.383A>G, p.Tyr128Cys (NM_001375568.1, NM_017794.5); c.288-17759A>G (NM_001375570.1); short protein forms Y128C.
Identifiers: ClinVar variation 4806279 (VCV004806279.1).

ClinVar aggregate classification (germline): Uncertain significance (1 of 4 stars; one submission).

gnomAD v4.1: 3 of 1,577,614 alleles (0.00019%); highest among the groups gnomAD compares: Admixed American, 0.0018%; no homozygotes.

Submission:

Labcorp Genetics (formerly Invitae), Labcorp
Classification: Uncertain significance. Last evaluated: 2025-12-06. Review status: criteria provided, single submitter. Criteria: Invitae Variant Classification Sherloc (09022015). Collection method: clinical testing. Allele origin: germline.
Comment: This sequence change replaces tyrosine, which is neutral and polar, with cysteine, which is neutral and slightly polar, at codon 128 of the FOCAD protein (p.Tyr128Cys). This variant is not present in population databases (gnomAD no frequency). This variant has not been reported in the literature in individuals affected with FOCAD-related conditions. Experimental studies and prediction algorithms are not available or were not evaluated, and the functional significance of this variant is currently unknown. In summary, the available evidence is currently insufficient to determine the role of this variant in disease. Therefore, it has been classified as a Variant of Uncertain Significance.